The following is an entry in ClinVar:

NC_012920.1(MT-ND6):m.14340C>T

Gene: MT-ND6 (mitochondrially encoded NADH dehydrogenase 6; minus strand).
Variant type: single nucleotide variant.
Genome position: chrM-14340-C-T.
Identifiers: ClinVar variation 693713 (VCV000693713.1), dbSNP rs1603224683, ClinGen allele CA414822024.

ClinVar aggregate classification (germline): Likely benign (1 of 4 stars; one submission).

Conditions:
Leigh syndrome (NULS). Also called: Leigh's necrotizing encephalopathy; Leigh's disease; Leigh's syndrome; LEIGH SYNDROME, NUCLEAR; Leigh Syndrome (mtDNA deletion); Leigh Disease. Identifiers: Orphanet 506, MedGen C2931891, MONDO:0009723, OMIM 256000.

Submission:

Wong Mito Lab, Molecular and Human Genetics, Baylor College of Medicine
Classification: Likely benign for Leigh syndrome. Last evaluated: 2019-10-17. Review status: criteria provided, single submitter. Criteria: Modified ACMG Guidelines (Unpublished). Collection method: clinical testing. Allele origin: germline.
Comment: The NC_012920.1:m.14340C>T (YP_003024037.1:p.Val112Met) variant in MTND6 gene is interpretated to be a Likely Benign variant based on the modified ACMG guidelines (unpublished). This variant meets the following evidence codes: BS1, BP6

Literature cited by the submitters: PubMed 15637703.